The following is an entry in ClinVar:

ClinVar aggregate classification (germline): Uncertain significance. Review status: criteria provided, multiple submitters, no conflicts (2 of 4 stars). 2 submissions from 2 submitters: Uncertain significance (2). Last evaluated 2026-08-06.

Conditions:
Combined oxidative phosphorylation deficiency 39. Identifiers: Orphanet 565624, MedGen C5193075, MONDO:0032726, OMIM 618397.

Allele frequency attached by ClinVar (database versions not stated): gnomAD 0.00001; gnomAD exomes 0.00002; ExAC 0.00004.
gnomAD v4.1: 26 of 1,601,834 alleles (0.0016%); highest among the groups gnomAD compares: Non-Finnish European, 0.002%; no homozygotes.

Submissions (2):

OLLIN Analises Genomicas, OLLIN
Classification: Uncertain significance for Combined oxidative phosphorylation deficiency 39. Last evaluated: 2026-08-06. Review status: criteria provided, single submitter. Criteria: ACMG Guidelines 2015 PMID 25741868. Collection method: clinical testing. Allele origin: germline. Inheritance: Autosomal recessive inheritance.
Comment: This variant, has been reported in ClinVar (accession VCV001012512.37) and in gnomAD with an allele frequency of 0.0016%. However, to our knowledge, it has not been reported in the scientific literature. According to the currently available evidence, this variant has been classified as uncertain significance (PM2_P, PP3).

CeGaT Center for Human Genetics Tuebingen
Classification: Uncertain significance. Last evaluated: 2020-07-01. Review status: criteria provided, single submitter. Criteria: CeGaT Center For Human Genetics Tuebingen Variant Classification Criteria Version 2. Collection method: clinical testing. Allele origin: germline. Affected: yes. Observed: 2 variant alleles.

NM_032380.5(GFM2):c.849+7T>G

Gene: GFM2 (GTP dependent ribosome recycling factor mitochondrial GFM2; minus strand). Cytogenetic location: 5q13.3.
Variant type: single nucleotide variant.
Coding change: c.849+7T>G on transcript NM_032380.5 (MANE Select); 7 bases into the intron after coding-DNA position 849, T replaced by G.
Molecular consequence: intron variant.
Genome position (GRCh38, 1-based): chr5:74,745,671, A>C on the plus strand (T>G on the coding strand, the complement: GFM2 is on the minus strand). VCF-style: chr5-74745671-A-C. GRCh37 (hg19) VCF-style: chr5-74041496-A-C.
Other names: c.849+7T>G (NM_170691.3, NM_170681.3); c.945+7T>G (NM_001281302.2).
Identifiers: ClinVar variation 1012512 (VCV001012512.39), dbSNP rs779481314, ClinGen allele CA3306682.